The following is an entry in ClinVar:

ClinVar aggregate classification (germline): Uncertain significance. Review status: criteria provided, multiple submitters, no conflicts (2 of 4 stars). 2 submissions from 2 submitters: Uncertain significance (2). Last evaluated 2021-08-17.

Conditions:
Emery-Dreifuss muscular dystrophy 4, autosomal dominant (EDMD4). Also called: EMERY-DREIFUSS MUSCULAR DYSTROPHY 4 WITH VARIABLE FEATURES. Identifiers: Orphanet 261, MedGen C2751807, MONDO:0013071, OMIM 612998.
Autosomal recessive ataxia, Beauce type. Also called: SYNE1-Related Autosomal Recessive Cerebellar Ataxia; Spinocerebellar ataxia, autosomal recessive 8; ATAXIA, RECESSIVE, OF BEAUCE; SYNE1 Deficiency. Identifiers: Orphanet 88644, MedGen C1853116, MONDO:0012549, OMIM 610743.

Allele frequency attached by ClinVar (database versions not stated): ExAC 0.00001; gnomAD 0.00001; gnomAD exomes 0.00001; TOPMed 0.00001.
gnomAD v4.1: 14 of 1,614,074 alleles (0.00087%); highest among the groups gnomAD compares: Non-Finnish European, 0.0011%; no homozygotes.

Submissions (2):

Labcorp Genetics (formerly Invitae), Labcorp
Classification: Uncertain significance for Emery-Dreifuss muscular dystrophy 4, autosomal dominant; Autosomal recessive ataxia, Beauce type. Last evaluated: 2021-08-17. Review status: criteria provided, single submitter. Criteria: Invitae Variant Classification Sherloc (09022015). Collection method: clinical testing. Allele origin: germline.
Comment: This sequence change replaces alanine with proline at codon 6148 of the SYNE1 protein (p.Ala6148Pro). The alanine residue is highly conserved and there is a small physicochemical difference between alanine and proline. This variant is present in population databases (rs538161615, ExAC 0.001%). This variant has not been reported in the literature in individuals with SYNE1-related disease. Algorithms developed to predict the effect of missense changes on protein structure and function (SIFT, PolyPhen-2, Align-GVGD) all suggest that this variant is likely to be disruptive, but these predictions have not been confirmed by published functional studies and their clinical significance is uncertain. In summary, the available evidence is currently insufficient to determine the role of this variant in disease. Therefore, it has been classified as a Variant of Uncertain Significance.

Revvity Omics, Revvity
Classification: Uncertain significance. Last evaluated: 2020-06-26. Review status: criteria provided, single submitter. Criteria: ACMG Guidelines, 2015. Collection method: clinical testing. Allele origin: germline.

NM_182961.4(SYNE1):c.18655G>C (p.Ala6219Pro)

Gene: SYNE1 (spectrin repeat containing nuclear envelope protein 1; minus strand). Cytogenetic location: 6q25.2.
Variant type: single nucleotide variant.
Coding change: c.18655G>C on transcript NM_182961.4 (MANE Select); coding-DNA position 18655, G replaced by C.
Protein change: p.Ala6219Pro; replaces alanine 6219 with proline.
Molecular consequence: missense variant.
Genome position (GRCh38, 1-based): chr6:152,269,205, C>G on the plus strand (G>C on the coding strand, the complement: SYNE1 is on the minus strand). VCF-style: chr6-152269205-C-G. GRCh37 (hg19) VCF-style: chr6-152590340-C-G.
Other names: c.18442G>C, p.Ala6148Pro (NM_033071.5); short protein forms A6148P, A6219P.
Identifiers: ClinVar variation 565459 (VCV000565459.11), dbSNP rs538161615, ClinGen allele CA4054901.